The following is an entry in ClinVar:

ClinVar aggregate classification (germline): Pathogenic (1 of 4 stars; one submission).

Conditions:
Joubert syndrome. Also called: CEREBELLOPARENCHYMAL DISORDER IV; JOUBERT-BOLTSHAUSER SYNDROME; Familial aplasia of the vermis. Identifiers: Orphanet 475, MedGen C5979921, MONDO:0018772.
Meckel-Gruber syndrome. Also called: DYSENCEPHALIA SPLANCHNOCYSTICA; GRUBER SYNDROME; Dysencephalia splachnocystica. Identifiers: Orphanet 564, MedGen C0265215, MONDO:0018921.
Nephronophthisis. Also called: Juvenile Nephronophthisis. Identifiers: Orphanet 655, MedGen C0687120, MONDO:0019005, HP:0000090.

Submission:

Labcorp Genetics (formerly Invitae), Labcorp
Classification: Pathogenic for Joubert syndrome; Meckel-Gruber syndrome; Nephronophthisis. Last evaluated: 2022-10-14. Review status: criteria provided, single submitter. Criteria: Invitae Variant Classification Sherloc (09022015). Collection method: clinical testing. Allele origin: germline.
Comment: This variant has not been reported in the literature in individuals affected with CEP290-related conditions. For these reasons, this variant has been classified as Pathogenic. This variant is not present in population databases (gnomAD no frequency). This sequence change creates a premature translational stop signal (p.Asn1823Metfs*27) in the CEP290 gene. It is expected to result in an absent or disrupted protein product. Loss-of-function variants in CEP290 are known to be pathogenic (PMID: 16909394, 17345604, 20690115).

Literature cited by the submitters: PubMed 16909394; PubMed 17345604; PubMed 20690115.

NM_025114.4(CEP290):c.5468_5471del (p.Asn1823fs)

Gene: CEP290 (centrosomal protein 290; minus strand). Cytogenetic location: 12q21.32.
Variant type: Deletion.
Coding change: c.5468_5471del on transcript NM_025114.4 (MANE Select); coding-DNA positions 5468 to 5471, 4 bases deleted (ATAA; older notation c.5468_5471delATAA).
Protein change: p.Asn1823fs; shifts the reading frame from asparagine 1823.
Molecular consequence: frameshift variant.
Genome position (GRCh38, 1-based): chr12:88,077,812-88,077,815, TTAT deleted on the plus strand (ATAA on the coding strand, the reverse complement: CEP290 is on the minus strand); deleting any 4 consecutive bases within chr12:88,077,812-88,077,818 gives the same sequence; the c. name uses the placement nearest the transcript's 3' end. VCF-style (leftmost placement, unchanged base first): chr12-88077811-ATTAT-A. GRCh37 (hg19) VCF-style: chr12-88471588-ATTAT-A.
Other names: short protein forms N1823fs.
Identifiers: ClinVar variation 1986636 (VCV001986636.4), dbSNP rs2499858442, ClinGen allele CA2580086725.
Genomic context (GRCh38, chr12:88,077,811, plus strand): 5'-ATCAATTTCCTCTTTCTCTCTAAGTATTTTATTATAGGCTTTTTGTTTCTTTTGCAGTTC[ATTAT>A]TTAAGTCATTCAAATTATCAGTTAGTGAGTTTTCTCTGTTTTTACTTGTTTTAAGTGCTT-3'